The following is an entry in ClinVar:

NM_006005.3(WFS1):c.1731G>A (p.Leu577=)

Gene: WFS1 (wolframin ER transmembrane glycoprotein; plus strand). Cytogenetic location: 4p16.1.
Variant type: single nucleotide variant.
Coding change: c.1731G>A on transcript NM_006005.3 (MANE Select); coding-DNA position 1731, G replaced by A.
Protein change: p.Leu577=; no amino-acid change (leucine 577 retained).
Molecular consequence: synonymous variant.
Genome position (GRCh38, 1-based): chr4:6,301,526, G>A. VCF-style: chr4-6301526-G-A. GRCh37 (hg19) VCF-style: chr4-6303253-G-A.
Other names: c.1731G>A, p.Leu577= (NM_001145853.1).
Identifiers: ClinVar variation 1368783 (VCV001368783.11), dbSNP rs760031371, ClinGen allele CA2839463.
Genomic context (GRCh38, chr4:6,301,526, plus strand): 5'-CCGCGCCTCCATCGGCTACTTCCTCTTCCTCTTTGCCCTCCCCATCCTGGTGGCCGGCCT[G>A]GCCCTGGTGGGCGTGCTGCAGTTCGCCCGGTGGTTCACGTCTCTGGAGCTCACCAAGATC-3'
Protein context (NP_005996.2, residues 567-587): LFALPILVAG[Leu577=]ALVGVLQFAR

ClinVar aggregate classification (germline): Likely benign. Review status: criteria provided, multiple submitters, no conflicts (2 of 4 stars). 3 submissions from 3 submitters: Likely benign (2). 1 of the submissions does not count toward it. Last evaluated 2025-11-09.

Conditions:
WFS1-related disorder. Identifiers: MedGen CN379391, MONDO:0700293.

Allele frequency attached by ClinVar (database versions not stated): gnomAD exomes below 0.00001; ExAC 0.00001; gnomAD 0.00001.
gnomAD v4.1: 10 of 1,613,764 alleles (0.00062%); highest among the groups gnomAD compares: East Asian, 0.0067%; no homozygotes.

Submissions (3):

Labcorp Genetics (formerly Invitae), Labcorp
Classification: Likely benign. Last evaluated: 2025-11-09. Review status: criteria provided, single submitter. Criteria: Invitae Variant Classification Sherloc (09022015). Collection method: clinical testing. Allele origin: germline.

Blueprint Genetics
Classification: Likely benign. Last evaluated: 2024-03-05. Review status: criteria provided, single submitter. Criteria: ACMG Guidelines, 2015. Collection method: clinical testing. Allele origin: germline.

PreventionGenetics, part of Exact Sciences
Classification: Likely benign for WFS1-related condition. Last evaluated: 2023-10-17. Review status: no assertion criteria provided. Collection method: clinical testing. Allele origin: germline. Not counted in ClinVar's aggregate classification.
Comment: This variant is classified as likely benign based on ACMG/AMP sequence variant interpretation guidelines (Richards et al. 2015 PMID: 25741868, with internal and published modifications).